The following is an entry in ClinVar:

ClinVar aggregate classification (germline): Uncertain significance (1 of 4 stars; one submission).

Conditions:
Autosomal recessive limb-girdle muscular dystrophy type 2J (LGMDR10). Also called: Limb-girdle muscular dystrophy, type 2J; MUSCULAR DYSTROPHY, LIMB-GIRDLE, AUTOSOMAL RECESSIVE 10. Identifiers: Orphanet 140922, MedGen C1837342, MONDO:0012127, OMIM 608807.
Dilated cardiomyopathy 1G (CMD1G). Identifiers: Orphanet 154, MedGen C1858763, MONDO:0011400, OMIM 604145.

Submission:

Labcorp Genetics (formerly Invitae), Labcorp
Classification: Uncertain significance for Dilated cardiomyopathy 1G; Autosomal recessive limb-girdle muscular dystrophy type 2J. Last evaluated: 2025-09-04. Review status: criteria provided, single submitter. Criteria: Invitae Variant Classification Sherloc (09022015). Collection method: clinical testing. Allele origin: germline.
Comment: This sequence change replaces tryptophan, which is neutral and slightly polar, with leucine, which is neutral and non-polar, at codon 35453 of the TTN protein (p.Trp35453Leu). This variant is not present in population databases (gnomAD no frequency). This variant has not been reported in the literature in individuals affected with TTN-related conditions. Experimental studies and prediction algorithms are not available or were not evaluated, and the functional significance of this variant is currently unknown. This variant is located in the M band of TTN (PMID: 25589632). Non-truncating variants in this region may be relevant for neuromuscular disorders, but have not been definitively shown to cause cardiomyopathy (PMID: 23975875). In summary, the available evidence is currently insufficient to determine the role of this variant in disease. Therefore, it has been classified as a Variant of Uncertain Significance.

Literature cited by the submitters: PubMed 25589632; PubMed 23975875.

NM_001267550.2(TTN):c.106358G>T (p.Trp35453Leu)

Genes: TTN (titin; minus strand), TTN-AS1 (TTN antisense RNA 1; plus strand). Cytogenetic location: 2q31.2.
Variant type: single nucleotide variant.
Coding change: c.106358G>T on transcript NM_001267550.2 (MANE Select); coding-DNA position 106358, G replaced by T.
Protein change: p.Trp35453Leu; replaces tryptophan 35453 with leucine.
Molecular consequence: missense variant.
Genome position (GRCh38, 1-based): chr2:178,530,257, C>A on the plus strand (G>T on the coding strand, the complement: TTN is on the minus strand). VCF-style: chr2-178530257-C-A. GRCh37 (hg19) VCF-style: chr2-179394984-C-A.
Other names: c.101435G>T, p.Trp33812Leu (NM_001256850.1); c.79163G>T, p.Trp26388Leu (NM_003319.4); c.98654G>T, p.Trp32885Leu (NM_133378.4); c.79538G>T, p.Trp26513Leu (NM_133432.3); c.79739G>T, p.Trp26580Leu (NM_133437.4); short protein forms W33812L, W32885L, W26388L, W26580L, W26513L, W35453L.
Identifiers: ClinVar variation 4786065 (VCV004786065.1).